The following is an entry in ClinVar:

NM_032043.3(BRIP1):c.1892_1893del (p.Phe631fs)

Gene: BRIP1 (BRCA1 interacting DNA helicase 1; minus strand). Cytogenetic location: 17q23.2.
Variant type: Deletion.
Coding change: c.1892_1893del on transcript NM_032043.3 (MANE Select); coding-DNA positions 1892 to 1893, 2 bases deleted (TT; older notation c.1892_1893delTT).
Protein change: p.Phe631fs; shifts the reading frame from phenylalanine 631.
Molecular consequence: frameshift variant.
Genome position (GRCh38, 1-based): chr17:61,780,303-61,780,304, AA deleted on the plus strand (TT on the coding strand, the reverse complement: BRIP1 is on the minus strand); deleting any 2 consecutive bases within chr17:61,780,303-61,780,305 gives the same sequence; the c. name uses the placement nearest the transcript's 3' end. VCF-style (leftmost placement, unchanged base first): chr17-61780302-TAA-T. GRCh37 (hg19) VCF-style: chr17-59857663-TAA-T.
Other names: short protein forms F631fs.
Identifiers: ClinVar variation 2583251 (VCV002583251.2), dbSNP rs2545018399, ClinGen allele CA2582342272.

ClinVar aggregate classification (germline): Pathogenic (1 of 4 stars; one submission).

Conditions:
Familial cancer of breast. Also called: Hereditary breast cancer; BREAST CANCER, FAMILIAL; hereditary breast carcinoma. Identifiers: Orphanet 227535, MedGen C0346153, MONDO:0016419, OMIM 114480. Disease mechanism: loss of function.

Submission:

Myriad Genetics, Inc.
Classification: Pathogenic for Familial cancer of breast. Last evaluated: 2023-06-05. Review status: criteria provided, single submitter. Criteria: Myriad Autosomal Dominant, Autosomal Recessive and X-Linked Classification Criteria (2023). Collection method: clinical testing. Allele origin: unknown.
Comment: This variant is considered pathogenic. This variant creates a frameshift predicted to result in premature protein truncation.